The following is an entry in ClinVar:

NM_004304.5(ALK):c.2146A>T (p.Ser716Cys)

Gene: ALK (ALK receptor tyrosine kinase; minus strand). Cytogenetic location: 2p23.2.
Variant type: single nucleotide variant.
Coding change: c.2146A>T on transcript NM_004304.5 (MANE Select); coding-DNA position 2146, A replaced by T.
Protein change: p.Ser716Cys; replaces serine 716 with cysteine.
Molecular consequence: missense variant.
Genome position (GRCh38, 1-based): chr2:29,251,163, T>A on the plus strand (A>T on the coding strand, the complement: ALK is on the minus strand). VCF-style: chr2-29251163-T-A. GRCh37 (hg19) VCF-style: chr2-29474029-T-A.
Other names: short protein forms S716C.
Identifiers: ClinVar variation 5035214 (VCV005035214.1).
Genomic context (GRCh38, chr2:29,251,163, plus strand): 5'-ACCTGTAGGTGTCGGTGGCTGGCACCTTCCAGATCTGGATGCCTTTCAGGGGGCCCTCGC[T>A]CCCCACCTCCACGCTCAGGTTGGAGTTCTGGTAGGCGTTGTTGCACTGTGCCTGGGTGGG-3'
Protein context (NP_004295.2, residues 706-726): QNSNLSVEVG[Ser716Cys]EGPLKGIQIW

ClinVar aggregate classification (germline): Uncertain significance (1 of 4 stars; one submission).

Conditions:
Hereditary cancer-predisposing syndrome. Also called: Hereditary Cancer Syndrome; Neoplastic Syndromes, Hereditary; Tumor predisposition; Hereditary neoplastic syndrome. Identifiers: Orphanet 140162, MedGen C0027672, MeSH D009386, MONDO:0015356.

Submission:

Ambry Genetics
Classification: Uncertain significance for Hereditary cancer-predisposing syndrome. Last evaluated: 2026-07-11. Review status: criteria provided, single submitter. Criteria: Ambry Variant Classification Scheme 2023. Collection method: clinical testing. Allele origin: germline.
Comment: The p.S716C variant (also known as c.2146A>T), located in coding exon 12 of the ALK gene, results from an A to T substitution at nucleotide position 2146. The serine at codon 716 is replaced by cysteine, an amino acid with dissimilar properties. This amino acid position is conserved. In addition, this alteration is predicted to be tolerated by in silico analysis. Based on the available evidence, the clinical significance of this variant remains unclear.